The following is an entry in ClinVar:

ClinVar aggregate classification (germline): Pathogenic (1 of 4 stars; one submission).

Conditions:
Spermatogenic failure 18. Identifiers: MedGen C4539783, MONDO:0054615, OMIM 617576.
Ciliary dyskinesia, primary, 37 (CILD37). Also called: CILIARY DYSKINESIA, PRIMARY, 37, WITH OR WITHOUT SITUS INVERSUS. Identifiers: MedGen C4539798, MONDO:0033204, OMIM 617577.

gnomAD v4.1: 1 of 1,614,066 alleles (0.000062%); highest among the groups gnomAD compares: Non-Finnish European, 0.000085%; no homozygotes.

Submission:

Labcorp Genetics (formerly Invitae), Labcorp
Classification: Pathogenic for Ciliary dyskinesia, primary, 37; Spermatogenic failure 18. Last evaluated: 2024-10-05. Review status: criteria provided, single submitter. Criteria: Invitae Variant Classification Sherloc (09022015). Collection method: clinical testing. Allele origin: germline.
Comment: This sequence change creates a premature translational stop signal (p.Gln4101*) in the DNAH1 gene. It is expected to result in an absent or disrupted protein product. Loss-of-function variants in DNAH1 are known to be pathogenic (PMID: 27573432, 27798045). This variant is not present in population databases (gnomAD no frequency). This variant has not been reported in the literature in individuals affected with DNAH1-related conditions. For these reasons, this variant has been classified as Pathogenic.

Literature cited by the submitters: PubMed 27573432; PubMed 27798045.

NM_015512.5(DNAH1):c.12301C>T (p.Gln4101Ter)

Gene: DNAH1 (dynein axonemal heavy chain 1; plus strand). Cytogenetic location: 3p21.1.
Variant type: single nucleotide variant.
Coding change: c.12301C>T on transcript NM_015512.5 (MANE Select); coding-DNA position 12301, C replaced by T.
Protein change: p.Gln4101Ter; replaces glutamine 4101 with a stop codon.
Molecular consequence: nonsense.
Genome position (GRCh38, 1-based): chr3:52,399,061, C>T. VCF-style: chr3-52399061-C-T. GRCh37 (hg19) VCF-style: chr3-52433077-C-T.
Other names: short protein forms Q4101*.
Identifiers: ClinVar variation 3758854 (VCV003758854.2).